The following is an entry in ClinVar:

ClinVar aggregate classification (germline): Uncertain significance (1 of 4 stars; one submission).

Conditions:
Inborn genetic diseases. Identifiers: MedGen C0950123, MeSH D030342.

gnomAD v4.1: 1 of 1,614,066 alleles (0.000062%); highest among the groups gnomAD compares: Admixed American, 0.0017%; no homozygotes.

Submission:

Ambry Genetics
Classification: Uncertain significance for Inborn genetic diseases. Last evaluated: 2024-09-09. Review status: criteria provided, single submitter. Criteria: Ambry Variant Classification Scheme 2023. Collection method: clinical testing. Allele origin: germline.
Comment: The p.I545L variant (also known as c.1633A>C), located in coding exon 12 of the EPAS1 gene, results from an A to C substitution at nucleotide position 1633. The isoleucine at codon 545 is replaced by leucine, an amino acid with highly similar properties. This amino acid position is conserved. In addition, this alteration is predicted to be tolerated by in silico analysis. Based on the available evidence, the clinical significance of this variant remains unclear.

NM_001430.5(EPAS1):c.1633A>C (p.Ile545Leu)

Gene: EPAS1 (endothelial PAS domain protein 1; plus strand). Cytogenetic location: 2p21.
Variant type: single nucleotide variant.
Coding change: c.1633A>C on transcript NM_001430.5 (MANE Select); coding-DNA position 1633, A replaced by C.
Protein change: p.Ile545Leu; replaces isoleucine 545 with leucine.
Molecular consequence: missense variant.
Genome position (GRCh38, 1-based): chr2:46,380,305, A>C. VCF-style: chr2-46380305-A-C. GRCh37 (hg19) VCF-style: chr2-46607444-A-C.
Other names: short protein forms I545L.
Identifiers: ClinVar variation 3508901 (VCV003508901.1).